The following is an entry in ClinVar:

NM_014141.6(CNTNAP2):c.2236G>A (p.Asp746Asn)

Gene: CNTNAP2 (contactin associated protein 2; plus strand). Cytogenetic location: 7q35.
Variant type: single nucleotide variant.
Coding change: c.2236G>A on transcript NM_014141.6 (MANE Select); coding-DNA position 2236, G replaced by A.
Protein change: p.Asp746Asn; replaces aspartic acid 746 with asparagine.
Molecular consequence: missense variant.
Genome position (GRCh38, 1-based): chr7:147,903,702, G>A. VCF-style: chr7-147903702-G-A. GRCh37 (hg19) VCF-style: chr7-147600794-G-A.
Other names: short protein forms D746N.
Identifiers: ClinVar variation 2413849 (VCV002413849.6), dbSNP rs1345397568, ClinGen allele CA369927093.

ClinVar aggregate classification (germline): Uncertain significance (1 of 4 stars; one submission).

Conditions:
Cortical dysplasia-focal epilepsy syndrome (PTHSL1). Also called: Pitt-Hopkins-like syndrome 1. Identifiers: Orphanet 163681, Orphanet 221150, MedGen C2750246, MONDO:0012400, OMIM 610042.

Allele frequency attached by ClinVar (database versions not stated): TOPMed below 0.00001.
gnomAD v4.1: 3 of 1,613,834 alleles (0.00019%); highest among the groups gnomAD compares: South Asian, 0.0022%; no homozygotes.

Submission:

Labcorp Genetics (formerly Invitae), Labcorp
Classification: Uncertain significance for Cortical dysplasia-focal epilepsy syndrome. Last evaluated: 2022-04-09. Review status: criteria provided, single submitter. Criteria: Invitae Variant Classification Sherloc (09022015). Collection method: clinical testing. Allele origin: germline.
Comment: This sequence change replaces aspartic acid, which is acidic and polar, with asparagine, which is neutral and polar, at codon 746 of the CNTNAP2 protein (p.Asp746Asn). This variant is present in population databases (no rsID available, gnomAD 0.003%). This variant has not been reported in the literature in individuals affected with CNTNAP2-related conditions. Algorithms developed to predict the effect of missense changes on protein structure and function are either unavailable or do not agree on the potential impact of this missense change (SIFT: "Deleterious"; PolyPhen-2: "Probably Damaging"; Align-GVGD: "Class C15"). In summary, the available evidence is currently insufficient to determine the role of this variant in disease. Therefore, it has been classified as a Variant of Uncertain Significance.